The following is an entry in ClinVar:

NM_000038.6(APC):c.2215G>A (p.Asp739Asn)

Gene: APC (APC regulator of Wnt signaling pathway; plus strand). Cytogenetic location: 5q22.2.
Variant type: single nucleotide variant.
Coding change: c.2215G>A on transcript NM_000038.6 (MANE Select); coding-DNA position 2215, G replaced by A.
Protein change: p.Asp739Asn; replaces aspartic acid 739 with asparagine.
Molecular consequence: missense variant. On other transcripts: non-coding transcript variant (2).
Genome position (GRCh38, 1-based): chr5:112,837,809, G>A. VCF-style: chr5-112837809-G-A. GRCh37 (hg19) VCF-style: chr5-112173506-G-A.
Other names: c.2038G>A, p.Asp680Asn (NM_001407453.1, NM_001354901.2); c.1966G>A, p.Asp656Asn (NM_001407454.1, NM_001407455.1, NM_001407456.1 and 1 more transcripts); c.1912G>A, p.Asp638Asn (NM_001407458.1, NM_001407459.1, NM_001407460.1 and 1 more transcripts); c.1828G>A, p.Asp610Asn (NM_001407467.1, NM_001407469.1); c.2215G>A, p.Asp739Asn (NM_001127510.3, NM_001354895.2, NM_001407450.1); c.2161G>A, p.Asp721Asn (NM_001127511.3); c.2269G>A, p.Asp757Asn (NM_001354896.2, NM_001407447.1, NM_001407448.1 and 1 more transcripts); c.2245G>A, p.Asp749Asn (NM_001354897.2); and 11 more; short protein forms D610N, D613N, D711N, D714N, D739N, D757N, D638N, D648N.
Identifiers: ClinVar variation 5025506 (VCV005025506.1).
Genomic context (GRCh38, chr5:112,837,809, plus strand): 5'-GCTATGGGAAGTGCTGCAGCTTTAAGGAATCTCATGGCAAATAGGCCTGCGAAGTACAAG[G>A]ATGCCAATATTATGTCTCCTGGCTCAAGCTTGCCATCTCTTCATGTTAGGAAACAAAAAG-3'
Protein context (NP_000029.2, residues 729-749): LMANRPAKYK[Asp739Asn]ANIMSPGSSL

ClinVar aggregate classification (germline): Uncertain significance (1 of 4 stars; one submission).

Conditions:
Hereditary cancer-predisposing syndrome. Also called: Neoplastic Syndromes, Hereditary; Tumor predisposition; Hereditary neoplastic syndrome; Hereditary Cancer Syndrome. Identifiers: Orphanet 140162, MedGen C0027672, MeSH D009386, MONDO:0015356.

gnomAD v4.1: 1 of 1,613,966 alleles (0.000062%); highest among the groups gnomAD compares: South Asian, 0.0011%; no homozygotes.

Submission:

Ambry Genetics
Classification: Uncertain significance for Hereditary cancer-predisposing syndrome. Last evaluated: 2026-07-20. Review status: criteria provided, single submitter. Criteria: Ambry Variant Classification Scheme 2023. Collection method: clinical testing. Allele origin: germline.
Comment: The p.D739N variant (also known as c.2215G>A), located in coding exon 15 of the APC gene, results from a G to A substitution at nucleotide position 2215. The aspartic acid at codon 739 is replaced by asparagine, an amino acid with highly similar properties. This amino acid position is conserved. In addition, in silico predictors for this gene do not accurately predict pathogenicity. Based on the available evidence, the clinical significance of this variant remains unclear.